The following is an entry in ClinVar:

NM_000639.3(FASLG):c.152C>T (p.Pro51Leu)

Gene: FASLG (Fas ligand; plus strand). Cytogenetic location: 1q24.3.
Variant type: single nucleotide variant.
Coding change: c.152C>T on transcript NM_000639.3 (MANE Select); coding-DNA position 152, C replaced by T.
Protein change: p.Pro51Leu; replaces proline 51 with leucine.
Molecular consequence: missense variant.
Genome position (GRCh38, 1-based): chr1:172,659,353, C>T. VCF-style: chr1-172659353-C-T. GRCh37 (hg19) VCF-style: chr1-172628493-C-T.
Other names: c.152C>T, p.Pro51Leu (NM_001302746.2); short protein forms P51L.
Identifiers: ClinVar variation 1433851 (VCV001433851.5), dbSNP rs61761322, ClinGen allele CA1247460.

ClinVar aggregate classification (germline): Uncertain significance (1 of 4 stars; one submission).

Conditions:
Autoimmune lymphoproliferative syndrome type 1. Also called: AUTOIMMUNE LYMPHOPROLIFERATIVE SYNDROME, TYPE I, AUTOSOMAL DOMINANT. Identifiers: Orphanet 3261, MedGen C2717884, MONDO:0011158, OMIM 601859.

Allele frequency attached by ClinVar (database versions not stated): gnomAD exomes 0.00005 and 0.00003; TOPMed 0.00002; ExAC 0.00003; gnomAD 0.00003 and 0.00005.
gnomAD v4.1: 84 of 1,611,992 alleles (0.0052%); highest among the groups gnomAD compares: East Asian, 0.096%; 1 homozygote.

Submission:

Labcorp Genetics (formerly Invitae), Labcorp
Classification: Uncertain significance for Autoimmune lymphoproliferative syndrome. Last evaluated: 2022-07-17. Review status: criteria provided, single submitter. Criteria: Invitae Variant Classification Sherloc (09022015). Collection method: clinical testing. Allele origin: germline.
Comment: ClinVar contains an entry for this variant (Variation ID: 1433851). This sequence change replaces proline, which is neutral and non-polar, with leucine, which is neutral and non-polar, at codon 51 of the FASLG protein (p.Pro51Leu). This variant is present in population databases (rs61761322, gnomAD 0.03%). This variant has not been reported in the literature in individuals affected with FASLG-related conditions. Algorithms developed to predict the effect of missense changes on protein structure and function (SIFT, PolyPhen-2, Align-GVGD) all suggest that this variant is likely to be tolerated. In summary, the available evidence is currently insufficient to determine the role of this variant in disease. Therefore, it has been classified as a Variant of Uncertain Significance.